The following is an entry in ClinVar:

ClinVar aggregate classification (germline): Conflicting classifications of pathogenicity. Review status: criteria provided, conflicting classifications (1 of 4 stars). 2 submissions from 2 submitters: Uncertain significance (1); Likely benign (1). Last evaluated 2025-12-15.

Conditions:
Inborn genetic diseases. Identifiers: MedGen C0950123, MeSH D030342.
Supravalvar aortic stenosis (SVAS). Also called: Supravalvar aortic stenosis, Eisenberg type. Identifiers: Orphanet 3193, MedGen C0003499, MONDO:0008504, OMIM 185500, HP:0004381.

gnomAD v4.1: 9 of 1,614,020 alleles (0.00056%); highest among the groups gnomAD compares: Admixed American, 0.0033%; no homozygotes.

Submissions (2):

Ambry Genetics
Classification: Likely benign for Inborn genetic diseases. Last evaluated: 2025-12-15. Review status: criteria provided, single submitter. Criteria: Ambry Variant Classification Scheme 2023. Collection method: clinical testing. Allele origin: germline.

Labcorp Genetics (formerly Invitae), Labcorp
Classification: Uncertain significance for Supravalvar aortic stenosis. Last evaluated: 2025-10-23. Review status: criteria provided, single submitter. Criteria: Invitae Variant Classification Sherloc (09022015). Collection method: clinical testing. Allele origin: germline.
Comment: This sequence change replaces alanine, which is neutral and non-polar, with serine, which is neutral and polar, at codon 648 of the ELN protein (p.Ala648Ser). This variant is present in population databases (rs782747600, gnomAD 0.0009%). This variant has not been reported in the literature in individuals affected with ELN-related conditions. Invitae Evidence Modeling of protein sequence and biophysical properties (such as structural, functional, and spatial information, amino acid conservation, physicochemical variation, residue mobility, and thermodynamic stability) indicates that this missense variant is not expected to disrupt ELN protein function with a negative predictive value of 80%. In summary, the available evidence is currently insufficient to determine the role of this variant in disease. Therefore, it has been classified as a Variant of Uncertain Significance.

NM_000501.4(ELN):c.1756G>T (p.Ala586Ser)

Genes: ELN (elastin; plus strand), ELN-AS1 (ELN antisense RNA 1; minus strand). Cytogenetic location: 7q11.23.
Variant type: single nucleotide variant.
Coding change: c.1756G>T on transcript NM_000501.4 (MANE Select); coding-DNA position 1756, G replaced by T.
Protein change: p.Ala586Ser; replaces alanine 586 with serine.
Molecular consequence: missense variant.
Genome position (GRCh38, 1-based): chr7:74,061,109, G>T. VCF-style: chr7-74061109-G-T. GRCh37 (hg19) VCF-style: chr7-73475439-G-T.
Other names: c.1756G>T (NM_000501.2); c.1669G>T, p.Ala557Ser (NM_001081752.3); c.1714G>T, p.Ala572Ser (NM_001081753.3); c.1771G>T, p.Ala591Ser (NM_001081754.3); c.1699G>T, p.Ala567Ser (NM_001081755.3); c.1756G>T, p.Ala586Ser (NM_001278912.2); c.1513G>T, p.Ala505Ser (NM_001278913.2); c.1684G>T, p.Ala562Ser (NM_001278914.2); and 5 more; short protein forms A505S, A538S, A572S, A567S, A586S, A497S, A557S, A562S.
Identifiers: ClinVar variation 4705963 (VCV004705963.2).